The following is an entry in ClinVar:

ClinVar aggregate classification (germline): Pathogenic (1 of 4 stars; one submission).

Conditions:
Polycystic kidney disease, adult type (PKD1). Also called: POLYCYSTIC KIDNEY DISEASE, ADULT, TYPE I; Polycystic Kidney Disease 1, Autosomal Dominant; Polycystic kidney disease 1; Polycystic kidney disease 1, severe; Polycystic Kidney, Autosomal Dominant; POLYCYSTIC KIDNEY DISEASE 1 WITH OR WITHOUT POLYCYSTIC LIVER DISEASE. Identifiers: MedGen C3149841, MONDO:0008263, OMIM 173900.

Submission:

Juno Genomics, Hangzhou Juno Genomics, Inc
Classification: Pathogenic for Polycystic kidney disease, adult type. Review status: criteria provided, single submitter. Criteria: ACMG Guidelines, 2015. Collection method: clinical testing. Allele origin: germline. Affected: yes.
Comment: Absent from controls (or at extremely low frequency if recessive) in Genome Aggregation Database, Exome Sequencing Project, 1000 Genomes Project, or Exome Aggregation Consortium.;Null variant in a gene where loss of function (LOF) is a known mechanism of disease.

NM_001009944.3(PKD1):c.11421dup (p.Trp3808fs)

Genes: PKD1 (polycystin 1, transient receptor potential channel interacting; minus strand), PKD1-AS1 (PKD1 antisense RNA 1; plus strand). Cytogenetic location: 16p13.3.
Variant type: Duplication.
Coding change: c.11421dup on transcript NM_001009944.3 (MANE Select); coding-DNA position 11421, one base duplicated (C; older notation c.11421dupC).
Protein change: p.Trp3808fs; shifts the reading frame from tryptophan 3808.
Molecular consequence: frameshift variant.
Genome position (GRCh38, 1-based): chr16:2,091,897, G duplicated on the plus strand (C on the coding strand, the reverse complement: PKD1 is on the minus strand); the first of 2 consecutive G bases (chr16:2,091,897-2,091,898); duplicating either gives the same sequence. VCF-style (leftmost placement, unchanged base first): chr16-2091896-A-AG. GRCh37 (hg19) VCF-style: chr16-2141897-A-AG.
Other names: c.11418dup, p.Trp3807fs (NM_000296.4); short protein forms W3807fs, W3808fs.
Identifiers: ClinVar variation 3383169 (VCV003383169.2).
Genomic context (GRCh38, chr16:2,091,896, plus strand): 5'-CCAGGCTCAGGCCCAGCTCCTGCACGTAGCCCCCGCTGTCATACACGGCACAGGAGCCCC[A>AG]GGACCATGCCCTGCCGGAGAGGGGTGGCGTGGGTGCCGCACCCCAGCCCTTCCGGCACCC-3'